The following is an entry in ClinVar:

ClinVar aggregate classification (germline): Likely benign. Review status: criteria provided, multiple submitters, no conflicts (2 of 4 stars). 3 submissions from 3 submitters: Likely benign (2). 1 of the submissions does not count toward it. Last evaluated 2026-01-11.

Conditions:
OCA2-related disorder. Also called: OCA2-related condition.

Allele frequency attached by ClinVar (database versions not stated): gnomAD exomes 0.00001 and 0.00004; ExAC 0.00002; gnomAD 0.00004; TOPMed 0.00005.
gnomAD v4.1: 62 of 1,614,048 alleles (0.0038%); highest among the groups gnomAD compares: Admixed American, 0.005%; no homozygotes.

Submissions (3):

Labcorp Genetics (formerly Invitae), Labcorp
Classification: Likely benign. Last evaluated: 2026-01-11. Review status: criteria provided, single submitter. Criteria: Invitae Variant Classification Sherloc (09022015). Collection method: clinical testing. Allele origin: germline.

Blueprint Genetics
Classification: Likely benign. Last evaluated: 2024-03-01. Review status: criteria provided, single submitter. Criteria: ACMG Guidelines, 2015. Collection method: clinical testing. Allele origin: germline.

PreventionGenetics, part of Exact Sciences
Classification: Likely benign for OCA2-related condition. Last evaluated: 2019-03-11. Review status: no assertion criteria provided. Collection method: clinical testing. Allele origin: germline. Not counted in ClinVar's aggregate classification.
Comment: This variant is classified as likely benign based on ACMG/AMP sequence variant interpretation guidelines (Richards et al. 2015 PMID: 25741868, with internal and published modifications).

NM_000275.3(OCA2):c.1452C>T (p.Ile484=)

Gene: OCA2 (OCA2 melanosomal transmembrane protein; minus strand). Cytogenetic location: 15q13.1.
Variant type: single nucleotide variant.
Coding change: c.1452C>T on transcript NM_000275.3 (MANE Select); coding-DNA position 1452, C replaced by T.
Protein change: p.Ile484=; no amino-acid change (isoleucine 484 retained).
Molecular consequence: synonymous variant.
Genome position (GRCh38, 1-based): chr15:27,983,396, G>A on the plus strand (C>T on the coding strand, the complement: OCA2 is on the minus strand). VCF-style: chr15-27983396-G-A. GRCh37 (hg19) VCF-style: chr15-28228542-G-A.
Other names: c.1380C>T, p.Ile460= (NM_001300984.2); c.1452C>T (NM_000275.2).
Identifiers: ClinVar variation 1619951 (VCV001619951.12), dbSNP rs771155994, ClinGen allele CA7439034.